The following is an entry in ClinVar:

NM_198578.4(LRRK2):c.3942A>C (p.Lys1314Asn)

Gene: LRRK2 (leucine rich repeat kinase 2; plus strand). Cytogenetic location: 12q12.
Variant type: single nucleotide variant.
Coding change: c.3942A>C on transcript NM_198578.4 (MANE Select); coding-DNA position 3942, A replaced by C.
Protein change: p.Lys1314Asn; replaces lysine 1314 with asparagine.
Molecular consequence: missense variant.
Genome position (GRCh38, 1-based): chr12:40,305,949, A>C. VCF-style: chr12-40305949-A-C. GRCh37 (hg19) VCF-style: chr12-40699751-A-C.
Other names: short protein forms K1314N.
Identifiers: ClinVar variation 3291988 (VCV003291988.1).

ClinVar aggregate classification (germline): Uncertain significance (1 of 4 stars; one submission).

Conditions:
Inborn genetic diseases. Identifiers: MedGen C0950123, MeSH D030342.

Submission:

Ambry Genetics
Classification: Uncertain significance for Inborn genetic diseases. Last evaluated: 2024-05-04. Review status: criteria provided, single submitter. Criteria: Ambry Variant Classification Scheme 2023. Collection method: clinical testing. Allele origin: germline.
Comment: The p.K1314N variant (also known as c.3942A>C), located in coding exon 28 of the LRRK2 gene, results from an A to C substitution at nucleotide position 3942. The lysine at codon 1314 is replaced by asparagine, an amino acid with similar properties. This amino acid position is conserved. In addition, this alteration is predicted to be tolerated by in silico analysis. Based on the available evidence, the clinical significance of this variant remains unclear.